The following is an entry in ClinVar:

NM_001369.3(DNAH5):c.6407C>T (p.Thr2136Met)

Gene: DNAH5 (dynein axonemal heavy chain 5; minus strand). Cytogenetic location: 5p15.2.
Variant type: single nucleotide variant.
Coding change: c.6407C>T on transcript NM_001369.3 (MANE Select); coding-DNA position 6407, C replaced by T.
Protein change: p.Thr2136Met; replaces threonine 2136 with methionine.
Molecular consequence: missense variant.
Genome position (GRCh38, 1-based): chr5:13,829,547, G>A on the plus strand (C>T on the coding strand, the complement: DNAH5 is on the minus strand). VCF-style: chr5-13829547-G-A. GRCh37 (hg19) VCF-style: chr5-13829656-G-A.
Other names: short protein forms T2136M.
Identifiers: ClinVar variation 454792 (VCV000454792.14), dbSNP rs140690090, ClinGen allele CA3203417.

ClinVar aggregate classification (germline): Conflicting classifications of pathogenicity. Review status: criteria provided, conflicting classifications (1 of 4 stars). 5 submissions from 5 submitters: Uncertain significance (3); Benign (1). 1 of the submissions does not count toward it. Last evaluated 2026-03-06.

Conditions:
Primary ciliary dyskinesia. Also called: Ciliary dyskinesia. Identifiers: Orphanet 244, MedGen C0008780, MONDO:0016575, HP:0012265.
Primary ciliary dyskinesia 3. Identifiers: Orphanet 244, MedGen C1837618, MONDO:0012085, OMIM 608644.

Allele frequency attached by ClinVar (database versions not stated): gnomAD 0.00009 and 0.00007; gnomAD exomes 0.00009 and 0.00015; TOPMed 0.00013; ESP Exome Variant Server 0.00015; ExAC 0.00016.
gnomAD v4.1: 160 of 1,614,042 alleles (0.0099%); highest among the groups gnomAD compares: Middle Eastern, 0.049%; no homozygotes.

Submissions (5):

GeneDx
Classification: Uncertain significance. Last evaluated: 2026-03-06. Review status: criteria provided, single submitter. Criteria: GeneDx Variant Classification Process June 2021. Collection method: clinical testing. Allele origin: germline.
Comment: In silico analysis supports that this missense variant has a deleterious effect on protein structure/function; Has not been previously published as pathogenic or benign to our knowledge

Labcorp Genetics (formerly Invitae), Labcorp
Classification: Benign for Primary ciliary dyskinesia. Last evaluated: 2025-10-05. Review status: criteria provided, single submitter. Criteria: Invitae Variant Classification Sherloc (09022015). Collection method: clinical testing. Allele origin: germline.

Blueprint Genetics
Classification: Uncertain significance. Last evaluated: 2024-08-30. Review status: criteria provided, single submitter. Criteria: ACMG Guidelines, 2015. Collection method: clinical testing. Allele origin: germline.

Fulgent Genetics
Classification: Uncertain significance for Primary ciliary dyskinesia 3. Last evaluated: 2021-07-08. Review status: criteria provided, single submitter. Criteria: ACMG Guidelines, 2015. Collection method: clinical testing. Allele origin: unknown.

Natera, Inc.
Classification: Uncertain significance for Primary ciliary dyskinesia. Last evaluated: 2019-10-28. Review status: no assertion criteria provided. Collection method: clinical testing. Allele origin: germline. Not counted in ClinVar's aggregate classification.